The following is an entry in ClinVar:

NM_182914.3(SYNE2):c.15052C>G (p.Leu5018Val)

Gene: SYNE2 (spectrin repeat containing nuclear envelope protein 2; plus strand). Cytogenetic location: 14q23.2.
Variant type: single nucleotide variant.
Coding change: c.15052C>G on transcript NM_182914.3 (MANE Select); coding-DNA position 15052, C replaced by G.
Protein change: p.Leu5018Val; replaces leucine 5018 with valine.
Molecular consequence: missense variant.
Genome position (GRCh38, 1-based): chr14:64,141,416, C>G. VCF-style: chr14-64141416-C-G. GRCh37 (hg19) VCF-style: chr14-64608134-C-G.
Other names: c.15052C>G, p.Leu5018Val (NM_015180.6); short protein forms L5018V.
Identifiers: ClinVar variation 2914341 (VCV002914341.3), dbSNP rs756759862, ClinGen allele CA7222967.

ClinVar aggregate classification (germline): Uncertain significance (1 of 4 stars; one submission).

Conditions:
Emery-Dreifuss muscular dystrophy 5, autosomal dominant (EDMD5). Also called: EMERY-DREIFUSS MUSCULAR DYSTROPHY 5. Identifiers: Orphanet 261, MedGen C2751805, MONDO:0013072, OMIM 612999.

Allele frequency attached by ClinVar (database versions not stated): TOPMed below 0.00001; ExAC 0.00001; gnomAD 0.00001.
gnomAD v4.1: 1 of 1,613,866 alleles (0.000062%); highest among the groups gnomAD compares: African/African-American, 0.0013%; no homozygotes.

Submission:

Labcorp Genetics (formerly Invitae), Labcorp
Classification: Uncertain significance for Emery-Dreifuss muscular dystrophy 5, autosomal dominant. Last evaluated: 2023-10-17. Review status: criteria provided, single submitter. Criteria: Invitae Variant Classification Sherloc (09022015). Collection method: clinical testing. Allele origin: germline.
Comment: This sequence change replaces leucine, which is neutral and non-polar, with valine, which is neutral and non-polar, at codon 5018 of the SYNE2 protein (p.Leu5018Val). This variant is present in population databases (rs756759862, gnomAD 0.007%). This variant has not been reported in the literature in individuals affected with SYNE2-related conditions. An algorithm developed to predict the effect of missense changes on protein structure and function (PolyPhen-2) suggests that this variant is likely to be disruptive. In summary, the available evidence is currently insufficient to determine the role of this variant in disease. Therefore, it has been classified as a Variant of Uncertain Significance.